The following is an entry in ClinVar:

NM_001558.4(IL10RA):c.896A>T (p.Glu299Val)

Gene: IL10RA (interleukin 10 receptor subunit alpha; plus strand). Cytogenetic location: 11q23.3.
Variant type: single nucleotide variant.
Coding change: c.896A>T on transcript NM_001558.4 (MANE Select); coding-DNA position 896, A replaced by T.
Protein change: p.Glu299Val; replaces glutamic acid 299 with valine.
Molecular consequence: missense variant. On other transcripts: non-coding transcript variant (1).
Genome position (GRCh38, 1-based): chr11:117,998,800, A>T. VCF-style: chr11-117998800-A-T. GRCh37 (hg19) VCF-style: chr11-117869515-A-T.
Other names: c.896A>T (NM_001558.3); short protein forms E299V.
Identifiers: ClinVar variation 1426234 (VCV001426234.6), dbSNP rs1241295240, ClinGen allele CA382779038.

ClinVar aggregate classification (germline): Uncertain significance. Review status: criteria provided, multiple submitters, no conflicts (2 of 4 stars). 2 submissions from 2 submitters: Uncertain significance (2). Last evaluated 2025-08-27.

Conditions:
Inflammatory bowel disease 28. Also called: Inflammatory bowel disease 28, early onset, autosomal recessive. Identifiers: Orphanet 238569, MedGen C2751053, MONDO:0013153, OMIM 613148.
Inborn genetic diseases. Identifiers: MedGen C0950123, MeSH D030342.

Allele frequency attached by ClinVar (database versions not stated): TOPMed below 0.00001; gnomAD 0.00001; gnomAD exomes 0.00001.
gnomAD v4.1: 13 of 1,614,002 alleles (0.00081%); highest among the groups gnomAD compares: Non-Finnish European, 0.0011%; no homozygotes.

Submissions (2):

Ambry Genetics
Classification: Uncertain significance for Inborn genetic diseases. Last evaluated: 2025-08-27. Review status: criteria provided, single submitter. Criteria: Ambry Variant Classification Scheme 2023. Collection method: clinical testing. Allele origin: germline.

Labcorp Genetics (formerly Invitae), Labcorp
Classification: Uncertain significance for Inflammatory bowel disease 28. Last evaluated: 2021-08-24. Review status: criteria provided, single submitter. Criteria: Invitae Variant Classification Sherloc (09022015). Collection method: clinical testing. Allele origin: germline.
Comment: This sequence change replaces glutamic acid with valine at codon 299 of the IL10RA protein (p.Glu299Val). The glutamic acid residue is moderately conserved and there is a moderate physicochemical difference between glutamic acid and valine. This variant is not present in population databases (ExAC no frequency). This variant has not been reported in the literature in individuals affected with IL10RA-related conditions. Algorithms developed to predict the effect of missense changes on protein structure and function are either unavailable or do not agree on the potential impact of this missense change (SIFT: "Tolerated"; PolyPhen-2: "Possibly Damaging"; Align-GVGD: "Class C0"). Algorithms developed to predict the effect of sequence changes on RNA splicing suggest that this variant may create or strengthen a splice site. In summary, the available evidence is currently insufficient to determine the role of this variant in disease. Therefore, it has been classified as a Variant of Uncertain Significance.